The following is an entry in ClinVar:

NM_004646.4(NPHS1):c.1154A>G (p.Glu385Gly)

Gene: NPHS1 (NPHS1 adhesion molecule, nephrin; minus strand). Cytogenetic location: 19q13.12.
Variant type: single nucleotide variant.
Coding change: c.1154A>G on transcript NM_004646.4 (MANE Select); coding-DNA position 1154, A replaced by G.
Protein change: p.Glu385Gly; replaces glutamic acid 385 with glycine.
Molecular consequence: missense variant.
Genome position (GRCh38, 1-based): chr19:35,848,653, T>C on the plus strand (A>G on the coding strand, the complement: NPHS1 is on the minus strand). VCF-style: chr19-35848653-T-C. GRCh37 (hg19) VCF-style: chr19-36339555-T-C.
Other names: short protein forms E385G.
Identifiers: ClinVar variation 1705190 (VCV001705190.1), dbSNP rs2513777721, ClinGen allele CA405406206.

ClinVar aggregate classification (germline): Uncertain significance (1 of 4 stars; one submission).

Submission:

Women's Health and Genetics/Laboratory Corporation of America, LabCorp
Classification: Uncertain significance. Last evaluated: 2022-08-24. Review status: criteria provided, single submitter. Criteria: LabCorp Variant Classification Summary - May 2015. Collection method: clinical testing. Allele origin: germline.
Comment: Variant summary: NPHS1 c.1154A>G (p.Glu385Gly) results in a non-conservative amino acid change located in the Immunoglobulin subtype domain (IPR003599) of the encoded protein sequence. Four of five in-silico tools predict a benign effect of the variant on protein function. The variant was absent in 250956 control chromosomes (gnomAD). The available data on variant occurrences in the general population are insufficient to allow any conclusion about variant significance. To our knowledge, no occurrence of c.1154A>G in individuals affected with Nephrotic Syndrome, Type 1 and no experimental evidence demonstrating its impact on protein function have been reported. No clinical diagnostic laboratories have submitted clinical-significance assessments for this variant to ClinVar after 2014. Based on the evidence outlined above, the variant was classified as uncertain significance.